The following is an entry in ClinVar:

NM_000487.6(ARSA):c.859G>T (p.Glu287Ter)

Gene: ARSA (arylsulfatase A; minus strand). Cytogenetic location: 22q13.33.
Variant type: single nucleotide variant.
Coding change: c.859G>T on transcript NM_000487.6 (MANE Select); coding-DNA position 859, G replaced by T.
Protein change: p.Glu287Ter; replaces glutamic acid 287 with a stop codon.
Molecular consequence: nonsense.
Genome position (GRCh38, 1-based): chr22:50,626,274, C>A on the plus strand (G>T on the coding strand, the complement: ARSA is on the minus strand). VCF-style: chr22-50626274-C-A. GRCh37 (hg19) VCF-style: chr22-51064702-C-A.
Other names: c.859G>T, p.Glu287Ter (NM_001085425.3, NM_001085426.3, NM_001085427.3); c.601G>T, p.Glu201Ter (NM_001085428.3, NM_001362782.2); short protein forms E201*, E287*.
Identifiers: ClinVar variation 5015681 (VCV005015681.1).
Genomic context (GRCh38, chr22:50,626,274, plus strand): 5'-TCGTTCCCTTTCCACACCGCAAGAGACCGGAGCAGCCGCCTCGGGACATACGCATGGTCT[C>A]AGGTCTGGGACACAGGAGGCGCTCATGAGCCATGGAGCCACAGCCTCTGAGCCACCGAGG-3'

ClinVar aggregate classification (germline): Pathogenic (1 of 4 stars; one submission).

Conditions:
Metachromatic leukodystrophy (MLD). Also called: ARSA DEFICIENCY; CEREBROSIDE SULFATASE DEFICIENCY; METACHROMATIC LEUKOENCEPHALOPATHY; SULFATIDE LIPIDOSIS; Cerebral sclerosis diffuse metachromatic form; Arylsulfatase A Deficiency. Identifiers: Orphanet 512, MedGen C0023522, MONDO:0018868, OMIM 250100.

Submission:

Myriad Genetics, Inc.
Classification: Pathogenic for Metachromatic leukodystrophy. Last evaluated: 2026-03-15. Review status: criteria provided, single submitter. Criteria: Myriad Autosomal Dominant, Autosomal Recessive and X-Linked Classification Criteria (2023). Collection method: clinical testing. Allele origin: unknown.
Comment: NM_000487.5(ARSA):c.859G>T(E287*) is expected to be pathogenic in the context of metachromatic leukodystrophy. This variant is predicted to lead to an abnormal or absent protein product due to the creation of a premature termination codon in ARSA, a gene where loss-of-function variants are known to be pathogenic. Please note: this variant was assessed in the context of healthy population screening.